The following is an entry in ClinVar:

NM_172107.4(KCNQ2):c.1113del (p.Met371fs)

Gene: KCNQ2 (potassium voltage-gated channel subfamily Q member 2; minus strand). Cytogenetic location: 20q13.33.
Variant type: Deletion.
Coding change: c.1113del on transcript NM_172107.4 (MANE Select); coding-DNA position 1113, one base deleted (G; older notation c.1113delG).
Protein change: p.Met371fs; shifts the reading frame from methionine 371.
Molecular consequence: frameshift variant.
Genome position (GRCh38, 1-based): chr20:63,433,814, C deleted on the plus strand (G on the coding strand, the reverse complement: KCNQ2 is on the minus strand). VCF-style (leftmost placement, unchanged base first): chr20-63433813-AC-A. GRCh37 (hg19) VCF-style: chr20-62065166-AC-A.
Other names: c.1113del, p.Met371fs (NM_001382235.1, NM_004518.6, NM_172106.3 and 2 more transcripts); short protein forms M371fs.
Identifiers: ClinVar variation 1076431 (VCV001076431.8), dbSNP rs2145679115, ClinGen allele CA2499225809.

ClinVar aggregate classification (germline): Pathogenic (1 of 4 stars; one submission).

Conditions:
Early-infantile DEE. Also called: Ohtahara syndrome; Early infantile epileptic encephalopathy with suppression bursts; Early infantile epileptic encephalopathy. Identifiers: Orphanet 1934, MedGen C0393706, MONDO:0800491.

Submission:

Labcorp Genetics (formerly Invitae), Labcorp
Classification: Pathogenic for Early-infantile DEE. Last evaluated: 2020-09-07. Review status: criteria provided, single submitter. Criteria: Invitae Variant Classification Sherloc (09022015). Collection method: clinical testing. Allele origin: germline.
Comment: This sequence change creates a premature translational stop signal (p.Met371Ilefs*18) in the KCNQ2 gene. It is expected to result in an absent or disrupted protein product. For these reasons, this variant has been classified as Pathogenic. Loss-of-function variants in KCNQ2 are known to be pathogenic (PMID: 14534157, 23692823, 27779742). This variant has not been reported in the literature in individuals with KCNQ2-related conditions. This variant is not present in population databases (ExAC no frequency).

Literature cited by the submitters: PubMed 14534157; PubMed 23692823; PubMed 27779742.